The following is an entry in ClinVar:

ClinVar aggregate classification (germline): Pathogenic (1 of 4 stars; one submission).

Conditions:
Rienhoff syndrome. Also called: LOEYS-DIETZ SYNDROME 5. Identifiers: MedGen C3810012, MONDO:0014262, OMIM 615582.

Submission:

Labcorp Genetics (formerly Invitae), Labcorp
Classification: Pathogenic for Rienhoff syndrome. Last evaluated: 2022-09-24. Review status: criteria provided, single submitter. Criteria: Invitae Variant Classification Sherloc (09022015). Collection method: clinical testing. Allele origin: germline.
Comment: This sequence change creates a premature translational stop signal (p.Asn241Thrfs*5) in the TGFB3 gene. It is expected to result in an absent or disrupted protein product. Loss-of-function variants in TGFB3 are known to be pathogenic (PMID: 25835445, 26188975). This variant is not present in population databases (gnomAD no frequency). This variant has not been reported in the literature in individuals affected with TGFB3-related conditions. For these reasons, this variant has been classified as Pathogenic.

Literature cited by the submitters: PubMed 25835445; PubMed 26188975.

NM_003239.5(TGFB3):c.722del (p.Asn241fs)

Gene: TGFB3 (transforming growth factor beta 3; minus strand). Cytogenetic location: 14q24.3.
Variant type: Deletion.
Coding change: c.722del on transcript NM_003239.5 (MANE Select); coding-DNA position 722, one base deleted (A; older notation c.722delA).
Protein change: p.Asn241fs; shifts the reading frame from asparagine 241.
Molecular consequence: frameshift variant.
Genome position (GRCh38, 1-based): chr14:75,965,620, T deleted on the plus strand (A on the coding strand, the reverse complement: TGFB3 is on the minus strand); the first of 4 consecutive T bases (chr14:75,965,620-75,965,623); deleting any one gives the same sequence. VCF-style (leftmost placement, unchanged base first): chr14-75965619-GT-G. GRCh37 (hg19) VCF-style: chr14-76431962-GT-G.
Other names: c.722del, p.Asn241fs (NM_001329938.2, NM_001329939.2); short protein forms N241fs.
Identifiers: ClinVar variation 2026166 (VCV002026166.4), dbSNP rs2504102877, ClinGen allele CA2580088849.
Genomic context (GRCh38, chr14:75,965,619, plus strand): 5'-CATCCTACCATACACATTCATTTTGTTACCTTTGAATTTGATTTCCATCACCTCGTGAAT[GT>G]TTTCCAGGATATCTCCATTGGGCTGAAAGGTGTGACATGGACAGTGAATGCTGATTTCTA-3'